The following is an entry in ClinVar:

NM_001384732.1(CPLANE1):c.7941G>A (p.Ser2647=)

Gene: CPLANE1 (ciliogenesis and planar polarity effector complex subunit 1; minus strand). Cytogenetic location: 5p13.2.
Variant type: single nucleotide variant.
Coding change: c.7941G>A on transcript NM_001384732.1 (MANE Select); coding-DNA position 7941, G replaced by A.
Protein change: p.Ser2647=; no amino-acid change (serine 2647 retained).
Molecular consequence: synonymous variant.
Genome position (GRCh38, 1-based): chr5:37,157,740, C>T on the plus strand (G>A on the coding strand, the complement: CPLANE1 is on the minus strand). VCF-style: chr5-37157740-C-T. GRCh37 (hg19) VCF-style: chr5-37157842-C-T.
Other names: c.7887G>A, p.Ser2629= (NM_023073.4).
Identifiers: ClinVar variation 772637 (VCV000772637.35), dbSNP rs111859133, ClinGen allele CA3237912.

ClinVar aggregate classification (germline): Likely benign. Review status: criteria provided, multiple submitters, no conflicts (2 of 4 stars). 3 submissions from 3 submitters: Likely benign (3). Last evaluated 2026-01-20.

Allele frequency attached by ClinVar (database versions not stated): ExAC 0.00004; gnomAD 0.00004; gnomAD exomes 0.00004 and 0.00008; TOPMed 0.00004.
gnomAD v4.1: 66 of 1,613,714 alleles (0.0041%); highest among the groups gnomAD compares: Admixed American, 0.022%; 1 homozygote.

Submissions (3):

Labcorp Genetics (formerly Invitae), Labcorp
Classification: Likely benign. Last evaluated: 2026-01-20. Review status: criteria provided, single submitter. Criteria: Invitae Variant Classification Sherloc (09022015). Collection method: clinical testing. Allele origin: germline.

Blueprint Genetics
Classification: Likely benign. Last evaluated: 2024-10-17. Review status: criteria provided, single submitter. Criteria: ACMG Guidelines, 2015. Collection method: clinical testing. Allele origin: germline.

CeGaT Center for Human Genetics Tuebingen
Classification: Likely benign. Last evaluated: 2023-06-01. Review status: criteria provided, single submitter. Criteria: CeGaT Center For Human Genetics Tuebingen Variant Classification Criteria Version 2. Collection method: clinical testing. Allele origin: germline. Affected: yes. Observed: 1 variant allele.
Comment: CPLANE1: BP4, BP7